The following is an entry in ClinVar:

ClinVar aggregate classification (germline): Uncertain significance (1 of 4 stars; one submission).

Conditions:
Familial focal epilepsy with variable foci (FPEVF). Identifiers: Orphanet 98820, MedGen C1858477, MONDO:0020310.

Submission:

Labcorp Genetics (formerly Invitae), Labcorp
Classification: Uncertain significance for Familial focal epilepsy with variable foci. Last evaluated: 2024-03-12. Review status: criteria provided, single submitter. Criteria: Invitae Variant Classification Sherloc (09022015). Collection method: clinical testing. Allele origin: germline.
Comment: This sequence change replaces phenylalanine, which is neutral and non-polar, with leucine, which is neutral and non-polar, at codon 1568 of the DEPDC5 protein (p.Phe1568Leu). This variant is not present in population databases (gnomAD no frequency). This variant has not been reported in the literature in individuals affected with DEPDC5-related conditions. Experimental studies and prediction algorithms are not available or were not evaluated, and the functional significance of this variant is currently unknown. In summary, the available evidence is currently insufficient to determine the role of this variant in disease. Therefore, it has been classified as a Variant of Uncertain Significance.

NM_001242896.3(DEPDC5):c.4702T>C (p.Phe1568Leu)

Gene: DEPDC5 (DEP domain containing 5, GATOR1 subcomplex subunit; plus strand). Cytogenetic location: 22q12.3.
Variant type: single nucleotide variant.
Coding change: c.4702T>C on transcript NM_001242896.3 (MANE Select); coding-DNA position 4702, T replaced by C.
Protein change: p.Phe1568Leu; replaces phenylalanine 1568 with leucine.
Molecular consequence: missense variant. On other transcripts: non-coding transcript variant (5).
Genome position (GRCh38, 1-based): chr22:31,906,387, T>C. VCF-style: chr22-31906387-T-C. GRCh37 (hg19) VCF-style: chr22-32302373-T-C.
Other names: c.4618T>C, p.Phe1540Leu (NM_001369902.1, NM_001369901.1); c.4609T>C, p.Phe1537Leu (NM_001369903.1, NM_014662.6); c.4675T>C, p.Phe1559Leu (NM_001136029.4); c.4402T>C, p.Phe1468Leu (NM_001242897.2); c.4636T>C, p.Phe1546Leu (NM_001363852.2, NM_001364320.2); c.4468T>C, p.Phe1490Leu (NM_001363854.2, NM_001364319.2); c.4702T>C, p.Phe1568Leu (NM_001364318.2); short protein forms F1468L, F1568L, F1540L, F1537L, F1546L, F1490L, F1559L.
Identifiers: ClinVar variation 3645623 (VCV003645623.2).